The following is an entry in ClinVar:

ClinVar aggregate classification (germline): Uncertain significance (1 of 4 stars; one submission).

Conditions:
NFIB-related disorder. Also called: NFIB-related condition.

gnomAD v4.1: 6 of 1,531,944 alleles (0.00039%); highest among the groups gnomAD compares: Non-Finnish European, 0.00052%; no homozygotes.

Submission:

PreventionGenetics, part of Exact Sciences
Classification: Uncertain significance for NFIB-related condition. Last evaluated: 2023-05-04. Review status: criteria provided, single submitter. Criteria: ACMG Guidelines, 2015. Collection method: clinical testing. Allele origin: germline.
Comment: The NFIB c.20C>G variant is predicted to result in the amino acid substitution p.Ser7Cys. To our knowledge, this variant has not been reported in the literature. This variant is reported in 0.0019% of alleles in individuals of European (Non-Finnish) descent in gnomAD. At this time, the clinical significance of this variant is uncertain due to the absence of conclusive functional and genetic evidence.

NM_001190738.2(NFIB):c.20C>G (p.Ser7Cys)

Gene: NFIB (nuclear factor I B; minus strand). Cytogenetic location: 9p22.3.
Variant type: single nucleotide variant.
Coding change: c.20C>G on transcript NM_001190738.2; coding-DNA position 20, C replaced by G.
Protein change: p.Ser7Cys; replaces serine 7 with cysteine.
Molecular consequence: missense variant. On other transcripts: intron variant (4).
Genome position (GRCh38, 1-based): chr9:14,398,612, G>C on the plus strand (C>G on the coding strand, the complement: NFIB is on the minus strand). VCF-style: chr9-14398612-G-C. GRCh37 (hg19) VCF-style: chr9-14398611-G-C.
Other names: c.97-91092C>G (NM_001369468.1, NM_001369462.1, NM_001369459.1 and 1 more transcripts); short protein forms S7C.
Identifiers: ClinVar variation 2636497 (VCV002636497.1), dbSNP rs907607515, ClinGen allele CA190163212.
Genomic context (GRCh38, chr9:14,398,612, plus strand): 5'-CTTTTAGGAATCCCAGGGTTACATTTCAGAACTGCACAGCAGACAACCCAGAAGTCCACA[G>C]ACACTGGGATTCTTTCCATACTCCGAACGGATTCCCGACAAGAAGCCTGTAGGCTCTGCT-3'